The following is an entry in ClinVar:

ClinVar aggregate classification (germline): Uncertain significance (1 of 4 stars; one submission).

Submission:

Labcorp Genetics (formerly Invitae), Labcorp
Classification: Uncertain significance. Last evaluated: 2022-09-13. Review status: criteria provided, single submitter. Criteria: Invitae Variant Classification Sherloc (09022015). Collection method: clinical testing. Allele origin: germline.
Comment: This sequence change replaces glycine, which is neutral and non-polar, with serine, which is neutral and polar, at codon 952 of the LAMB1 protein (p.Gly952Ser). This variant also falls at the last nucleotide of exon 21, which is part of the consensus splice site for this exon. This variant is not present in population databases (gnomAD no frequency). This variant has not been reported in the literature in individuals affected with LAMB1-related conditions. Algorithms developed to predict the effect of missense changes on protein structure and function (SIFT, PolyPhen-2, Align-GVGD) all suggest that this variant is likely to be disruptive. Variants that disrupt the consensus splice site are a relatively common cause of aberrant splicing (PMID: 17576681, 9536098). In summary, the available evidence is currently insufficient to determine the role of this variant in disease. Therefore, it has been classified as a Variant of Uncertain Significance.

Literature cited by the submitters: PubMed 17576681; PubMed 9536098.

NM_002291.3(LAMB1):c.2854G>A (p.Gly952Ser)

Gene: LAMB1 (laminin subunit beta 1; minus strand). Cytogenetic location: 7q31.1.
Variant type: single nucleotide variant.
Coding change: c.2854G>A on transcript NM_002291.3 (MANE Select); coding-DNA position 2854, G replaced by A.
Protein change: p.Gly952Ser; replaces glycine 952 with serine.
Molecular consequence: missense variant.
Genome position (GRCh38, 1-based): chr7:107,955,467, C>T on the plus strand (G>A on the coding strand, the complement: LAMB1 is on the minus strand). VCF-style: chr7-107955467-C-T. GRCh37 (hg19) VCF-style: chr7-107595912-C-T.
Other names: short protein forms G952S.
Identifiers: ClinVar variation 2011990 (VCV002011990.4), dbSNP rs2535440622, ClinGen allele CA368865444.